The following is an entry in ClinVar:

ClinVar aggregate classification (germline): Pathogenic (1 of 4 stars; one submission).

Submission:

Labcorp Genetics (formerly Invitae), Labcorp
Classification: Pathogenic. Last evaluated: 2025-03-25. Review status: criteria provided, single submitter. Criteria: Invitae Variant Classification Sherloc (09022015). Collection method: clinical testing. Allele origin: germline.
Comment: This sequence change creates a premature translational stop signal (p.Val181Glyfs*76) in the SERPING1 gene. It is expected to result in an absent or disrupted protein product. Loss-of-function variants in SERPING1 are known to be pathogenic (PMID: 11112899, 24456027). This variant is not present in population databases (gnomAD no frequency). This variant has not been reported in the literature in individuals affected with SERPING1-related conditions. For these reasons, this variant has been classified as Pathogenic.

Literature cited by the submitters: PubMed 11112899; PubMed 24456027.

NM_000062.3(SERPING1):c.541dup (p.Val181fs)

Gene: SERPING1 (serpin family G member 1; plus strand). Cytogenetic location: 11q12.1.
Variant type: Duplication.
Coding change: c.541dup on transcript NM_000062.3 (MANE Select); coding-DNA position 541, one base duplicated (G; older notation c.541dupG).
Protein change: p.Val181fs; shifts the reading frame from valine 181.
Molecular consequence: frameshift variant.
Genome position (GRCh38, 1-based): chr11:57,600,368, G duplicated; the last of 2 consecutive G bases (chr11:57,600,367-57,600,368); duplicating either gives the same sequence. VCF-style (leftmost placement, unchanged base first): chr11-57600366-A-AG. GRCh37 (hg19) VCF-style: chr11-57367839-A-AG.
Other names: c.541dup, p.Val181fs (NM_001032295.2); short protein forms V181fs.
Identifiers: ClinVar variation 4715945 (VCV004715945.1).